The following is an entry in ClinVar:

NM_006005.3(WFS1):c.1903C>G (p.Leu635Val)

Gene: WFS1 (wolframin ER transmembrane glycoprotein; plus strand). Cytogenetic location: 4p16.1.
Variant type: single nucleotide variant.
Coding change: c.1903C>G on transcript NM_006005.3 (MANE Select); coding-DNA position 1903, C replaced by G.
Protein change: p.Leu635Val; replaces leucine 635 with valine.
Molecular consequence: missense variant.
Genome position (GRCh38, 1-based): chr4:6,301,698, C>G. VCF-style: chr4-6301698-C-G. GRCh37 (hg19) VCF-style: chr4-6303425-C-G.
Other names: c.1903C>G, p.Leu635Val (NM_001145853.1); short protein forms L635V.
Identifiers: ClinVar variation 4752206 (VCV004752206.2).

ClinVar aggregate classification (germline): Uncertain significance. Review status: criteria provided, multiple submitters, no conflicts (2 of 4 stars). 2 submissions from 2 submitters: Uncertain significance (2). Last evaluated 2025-07-15.

gnomAD v4.1: 18 of 1,614,000 alleles (0.0011%); highest among the groups gnomAD compares: South Asian, 0.019%; no homozygotes.

Submissions (2):

Labcorp Genetics (formerly Invitae), Labcorp
Classification: Uncertain significance. Last evaluated: 2025-07-15. Review status: criteria provided, single submitter. Criteria: Invitae Variant Classification Sherloc (09022015). Collection method: clinical testing. Allele origin: germline.
Comment: This sequence change replaces leucine, which is neutral and non-polar, with valine, which is neutral and non-polar, at codon 635 of the WFS1 protein (p.Leu635Val). This variant is present in population databases (rs765433439, gnomAD 0.02%). This variant has not been reported in the literature in individuals affected with WFS1-related conditions. Invitae Evidence Modeling of protein sequence and biophysical properties (such as structural, functional, and spatial information, amino acid conservation, physicochemical variation, residue mobility, and thermodynamic stability) indicates that this missense variant is not expected to disrupt WFS1 protein function with a negative predictive value of 80%. In summary, the available evidence is currently insufficient to determine the role of this variant in disease. Therefore, it has been classified as a Variant of Uncertain Significance.

Blueprint Genetics
Classification: Uncertain significance. Last evaluated: 2023-05-23. Review status: criteria provided, single submitter. Criteria: ACMG Guidelines, 2015. Collection method: clinical testing. Allele origin: germline.